The following is an entry in ClinVar:

NM_016103.4(SAR1B):c.59-4G>T

Gene: SAR1B (secretion associated Ras related GTPase 1B; minus strand). Cytogenetic location: 5q31.1.
Variant type: single nucleotide variant.
Coding change: c.59-4G>T on transcript NM_016103.4 (MANE Select); 4 bases into the intron before coding-DNA position 59, G replaced by T.
Molecular consequence: intron variant.
Genome position (GRCh38, 1-based): chr5:134,621,056, C>A on the plus strand (G>T on the coding strand, the complement: SAR1B is on the minus strand). VCF-style: chr5-134621056-C-A. GRCh37 (hg19) VCF-style: chr5-133956746-C-A.
Other names: c.59-4G>T (NM_001033503.3).
Identifiers: ClinVar variation 753597 (VCV000753597.8), dbSNP rs763796886, ClinGen allele CA3414560.
Genomic context (GRCh38, chr5:134,621,056, plus strand): 5'-TTTTTCCTGCATTATCCAATCCAAGAAATACCAGTTTACCAGTTTTCTTATATAATCCTG[C>A]AAAGCAAGAGCTATGATTGGTCAAAGTGATATCTGATACTAATTATCCAAATGAATTTAA-3'

ClinVar aggregate classification (germline): Conflicting classifications of pathogenicity. Review status: criteria provided, conflicting classifications (1 of 4 stars). 2 submissions from 2 submitters: Uncertain significance (1); Likely benign (1). Last evaluated 2024-09-20.

Conditions:
Inborn genetic diseases. Identifiers: MedGen C0950123, MeSH D030342.

Allele frequency attached by ClinVar (database versions not stated): gnomAD 0.00001; ExAC 0.00002; gnomAD exomes 0.00004.
gnomAD v4.1: 14 of 1,612,890 alleles (0.00087%); highest among the groups gnomAD compares: Admixed American, 0.018%; no homozygotes.

Submissions (2):

Labcorp Genetics (formerly Invitae), Labcorp
Classification: Likely benign. Last evaluated: 2024-09-20. Review status: criteria provided, single submitter. Criteria: Invitae Variant Classification Sherloc (09022015). Collection method: clinical testing. Allele origin: germline.

Ambry Genetics
Classification: Uncertain significance for Inborn genetic diseases. Last evaluated: 2021-10-19. Review status: criteria provided, single submitter. Criteria: Ambry Variant Classification Scheme 2023. Collection method: clinical testing. Allele origin: germline.
Comment: The c.59-4G>T intronic alteration consists of a G to T substitution 4 nucleotides before exon 4 (coding exon 2) of the SAR1B gene. Based on insufficient or conflicting evidence, the clinical significance of this alteration remains unclear.